The following is an entry in ClinVar:

NM_018718.3(CEP41):c.812C>T (p.Pro271Leu)

Gene: CEP41 (centrosomal protein 41; minus strand). Cytogenetic location: 7q32.2.
Variant type: single nucleotide variant.
Coding change: c.812C>T on transcript NM_018718.3 (MANE Select); coding-DNA position 812, C replaced by T.
Protein change: p.Pro271Leu; replaces proline 271 with leucine.
Molecular consequence: missense variant. On other transcripts: non-coding transcript variant (1), intron variant (2).
Genome position (GRCh38, 1-based): chr7:130,400,200, G>A on the plus strand (C>T on the coding strand, the complement: CEP41 is on the minus strand). VCF-style: chr7-130400200-G-A. GRCh37 (hg19) VCF-style: chr7-130040041-G-A.
Other names: c.709+507C>T (NM_001257159.2); c.757+507C>T (NM_001257158.2); short protein forms P271L.
Identifiers: ClinVar variation 1465575 (VCV001465575.8), dbSNP rs782704918, ClinGen allele CA4485456.

ClinVar aggregate classification (germline): Uncertain significance (1 of 4 stars; one submission).

Conditions:
Joubert syndrome 15 (JBTS15). Identifiers: Orphanet 475, MedGen C3280897, MONDO:0013763, OMIM 614464.

Allele frequency attached by ClinVar (database versions not stated): ExAC 0.00001; gnomAD exomes 0.00001 and 0.00002; TOPMed 0.00001; gnomAD 0.00002.
gnomAD v4.1: 34 of 1,613,874 alleles (0.0021%); highest among the groups gnomAD compares: Middle Eastern, 0.033%; no homozygotes.

Submission:

Labcorp Genetics (formerly Invitae), Labcorp
Classification: Uncertain significance for Joubert syndrome 15. Last evaluated: 2022-10-04. Review status: criteria provided, single submitter. Criteria: Invitae Variant Classification Sherloc (09022015). Collection method: clinical testing. Allele origin: germline.
Comment: This variant is present in population databases (rs782704918, gnomAD 0.004%). This sequence change replaces proline, which is neutral and non-polar, with leucine, which is neutral and non-polar, at codon 271 of the CEP41 protein (p.Pro271Leu). This variant has not been reported in the literature in individuals affected with CEP41-related conditions. In summary, the available evidence is currently insufficient to determine the role of this variant in disease. Therefore, it has been classified as a Variant of Uncertain Significance. Advanced modeling of protein sequence and biophysical properties (such as structural, functional, and spatial information, amino acid conservation, physicochemical variation, residue mobility, and thermodynamic stability) performed at Invitae indicates that this missense variant is expected to disrupt CEP41 protein function. ClinVar contains an entry for this variant (Variation ID: 1465575).